The following is an entry in ClinVar:

NM_002180.3(IGHMBP2):c.1104C>T (p.Tyr368=)

Gene: IGHMBP2 (immunoglobulin mu DNA binding protein 2; plus strand). Cytogenetic location: 11q13.3.
Variant type: single nucleotide variant.
Coding change: c.1104C>T on transcript NM_002180.3 (MANE Select); coding-DNA position 1104, C replaced by T.
Protein change: p.Tyr368=; no amino-acid change (tyrosine 368 retained).
Molecular consequence: synonymous variant.
Genome position (GRCh38, 1-based): chr11:68,929,226, C>T. VCF-style: chr11-68929226-C-T. GRCh37 (hg19) VCF-style: chr11-68696694-C-T.
Other names: p.Tyr368=.
Identifiers: ClinVar variation 198778 (VCV000198778.77), dbSNP rs148157556, ClinGen allele CA203601.

ClinVar aggregate classification (germline): Benign/Likely benign. Review status: criteria provided, multiple submitters, no conflicts (2 of 4 stars). 11 submissions from 11 submitters: Benign (8); Likely benign (3). Last evaluated 2026-09-01.

Conditions:
Inborn genetic diseases. Identifiers: MedGen C0950123, MeSH D030342.
Charcot-Marie-Tooth disease axonal type 2S. Also called: CHARCOT-MARIE-TOOTH DISEASE, AXONAL, AUTOSOMAL RECESSIVE, TYPE 2S; CHARCOT-MARIE-TOOTH NEUROPATHY, TYPE 2S. Identifiers: Orphanet 443073, MedGen C4015349, MONDO:0014511, OMIM 616155.
Autosomal recessive distal spinal muscular atrophy 1. Also called: NEURONOPATHY, DISTAL HEREDITARY MOTOR, HARDING TYPE VI; NEUROPATHY, DISTAL HEREDITARY MOTOR, AUTOSOMAL RECESSIVE 1; HMN VI; NEURONOPATHY, SEVERE INFANTILE AXONAL, WITH RESPIRATORY FAILURE; SEVERE INFANTILE AXONAL NEUROPATHY WITH RESPIRATORY FAILURE; SPINAL MUSCULAR ATROPHY, DIAPHRAGMATIC. Identifiers: Orphanet 98920, MedGen C1858517, MONDO:0011436, OMIM 604320.
Charcot-Marie-Tooth disease. Also called: Charcot-Marie-Tooth Hereditary Neuropathy; Charcot-Marie-Tooth Neuropathy. Identifiers: Orphanet 166, MedGen C0007959, MONDO:0015626.

Allele frequency attached by ClinVar (database versions not stated): 1000 Genomes Project 0.00479; ESP Exome Variant Server 0.00493; 1000 Genomes Project 30x 0.00500; gnomAD 0.00517 and 0.00539; TOPMed 0.00550; ExAC 0.00646; gnomAD exomes 0.00678.
gnomAD v4.1: 10,660 of 1,613,790 alleles (0.66%); highest among the groups gnomAD compares: Middle Eastern, 2.6%; 80 homozygotes.

Submissions (11):

CeGaT Center for Human Genetics Tuebingen
Classification: Likely benign. Last evaluated: 2026-09-01. Review status: criteria provided, single submitter. Criteria: CeGaT Center For Human Genetics Tuebingen Variant Classification Criteria Version 2. Collection method: clinical testing. Allele origin: germline. Affected: yes. Observed: 46 variant alleles.
Comment: IGHMBP2: BP4, BS2

Labcorp Genetics (formerly Invitae), Labcorp
Classification: Benign for Autosomal recessive distal spinal muscular atrophy 1; Charcot-Marie-Tooth disease axonal type 2S. Last evaluated: 2026-01-28. Review status: criteria provided, single submitter. Criteria: Invitae Variant Classification Sherloc (09022015). Collection method: clinical testing. Allele origin: germline.

ARUP Laboratories, Molecular Genetics and Genomics, ARUP Laboratories
Classification: Benign. Last evaluated: 2025-02-24. Review status: criteria provided, single submitter. Criteria: ARUP Molecular Germline Variant Investigation Process 2024. Collection method: clinical testing. Allele origin: germline.

Ambry Genetics
Classification: Likely benign for Inborn genetic diseases. Last evaluated: 2019-07-11. Review status: criteria provided, single submitter. Criteria: Ambry Variant Classification Scheme 2023. Collection method: clinical testing. Allele origin: germline.

Athena Diagnostics
Classification: Benign. Last evaluated: 2018-11-08. Review status: criteria provided, single submitter. Criteria: Athena Diagnostics Criteria. Collection method: clinical testing. Allele origin: germline.

Illumina Laboratory Services, Illumina
Classification: Likely benign for Autosomal recessive distal spinal muscular atrophy 1. Last evaluated: 2018-01-12. Review status: criteria provided, single submitter. Criteria: ICSL Variant Classification Criteria 13 December 2019. Collection method: clinical testing. Allele origin: germline.
Comment: This variant was observed in the ICSL laboratory as part of a predisposition screen in an ostensibly healthy population. It had not been previously curated by ICSL or reported in the Human Gene Mutation Database (HGMD: prior to June 1st, 2018), and was therefore a candidate for classification through an automated scoring system. Utilizing variant allele frequency, disease prevalence and penetrance estimates, and inheritance mode, an automated score was calculated to assess if this variant is too frequent to cause the disease. Based on the score and internal cut-off values, a variant classified as likely benign is not then subjected to further curation. The score for this variant resulted in a classification of likely benign for this disease.

Mayo Clinic Laboratories, Mayo Clinic
Classification: Benign. Last evaluated: 2016-08-18. Review status: criteria provided, single submitter. Criteria: ACMG Guidelines, 2015. Collection method: clinical testing. Allele origin: germline. Observed: 41 variant alleles.

GeneDx
Classification: Benign. Last evaluated: 2015-03-03. Review status: criteria provided, single submitter. Criteria: GeneDx Variant Classification Process June 2021. Collection method: clinical testing. Allele origin: germline. Affected: yes.

Eurofins Ntd Llc (ga)
Classification: Benign. Last evaluated: 2014-11-14. Review status: criteria provided, single submitter. Criteria: EGL Classification Definitions 2015. Collection method: clinical testing. Allele origin: germline. Observed: 2 variant alleles, 2 heterozygotes.

Molecular Genetics Laboratory, London Health Sciences Centre
Classification: Benign for Charcot-Marie-Tooth disease. Review status: criteria provided, single submitter. Criteria: ACMG Guidelines, 2015. Collection method: clinical testing. Allele origin: germline. Affected: yes.

PreventionGenetics, part of Exact Sciences
Classification: Benign. Review status: criteria provided, single submitter. Criteria: ACMG Guidelines, 2015. Collection method: clinical testing. Allele origin: germline.